The following is an entry in ClinVar:

ClinVar aggregate classification (germline): Uncertain significance (1 of 4 stars; one submission).

gnomAD v4.1: 4 of 1,551,172 alleles (0.00026%); highest among the groups gnomAD compares: African/African-American, 0.0055%; no homozygotes.

Submission:

GeneDx
Classification: Uncertain significance. Last evaluated: 2025-06-10. Review status: criteria provided, single submitter. Criteria: GeneDx Variant Classification Process June 2021. Collection method: clinical testing. Allele origin: germline. Affected: yes.
Comment: In silico analysis suggests that this variant does not alter splicing; Has not been previously published as pathogenic or benign to our knowledge

NM_001145026.2(PTPRQ):c.6543T>C (p.Phe2181=)

Gene: PTPRQ (protein tyrosine phosphatase receptor type Q; plus strand). Cytogenetic location: 12q21.31.
Variant type: single nucleotide variant.
Coding change: c.6543T>C on transcript NM_001145026.2 (MANE Select); coding-DNA position 6543, T replaced by C.
Protein change: p.Phe2181=; no amino-acid change (phenylalanine 2181 retained).
Molecular consequence: synonymous variant.
Genome position (GRCh38, 1-based): chr12:80,670,433, T>C. VCF-style: chr12-80670433-T-C. GRCh37 (hg19) VCF-style: chr12-81064212-T-C.
Identifiers: ClinVar variation 4538033 (VCV004538033.1).